The following is an entry in ClinVar:

NM_000516.7(GNAS):c.1120C>T (p.Arg374Cys)

Gene: GNAS (GNAS complex locus; plus strand). Cytogenetic location: 20q13.32.
Variant type: single nucleotide variant.
Coding change: c.1120C>T on transcript NM_000516.7 (MANE Select); coding-DNA position 1120, C replaced by T.
Protein change: p.Arg374Cys; replaces arginine 374 with cysteine.
Molecular consequence: missense variant. On other transcripts: 3 prime UTR variant (2).
Genome position (GRCh38, 1-based): chr20:58,910,764, C>T. VCF-style: chr20-58910764-C-T. GRCh37 (hg19) VCF-style: chr20-57485819-C-T.
Other names: c.1123C>T, p.Arg375Cys (NM_001077488.5); c.1075C>T, p.Arg359Cys (NM_001077489.4); c.*981C>T (NM_001077490.3); c.943C>T, p.Arg315Cys (NM_001309840.2, NM_001309861.2); c.1024C>T, p.Arg342Cys (NM_001410912.1); c.3004C>T, p.Arg1002Cys (NM_001410913.1); c.*1026C>T (NM_016592.5); c.3049C>T, p.Arg1017Cys (NM_080425.4); and 1 more; short protein forms R374C, R1017C, R342C, R360C, R375C, R1002C, R315C, R359C.
Identifiers: ClinVar variation 2701561 (VCV002701561.3), dbSNP rs2146306169, ClinGen allele CA409453866.

ClinVar aggregate classification (germline): Uncertain significance (1 of 4 stars; one submission).

Submission:

Labcorp Genetics (formerly Invitae), Labcorp
Classification: Uncertain significance. Last evaluated: 2023-12-20. Review status: criteria provided, single submitter. Criteria: Invitae Variant Classification Sherloc (09022015). Collection method: clinical testing. Allele origin: germline.
Comment: This sequence change replaces arginine, which is basic and polar, with cysteine, which is neutral and slightly polar, at codon 374 of the GNAS protein (p.Arg374Cys). This variant is not present in population databases (gnomAD no frequency). This variant has not been reported in the literature in individuals affected with GNAS-related conditions. Advanced modeling of protein sequence and biophysical properties (such as structural, functional, and spatial information, amino acid conservation, physicochemical variation, residue mobility, and thermodynamic stability) has been performed at Invitae for this missense variant, however the output from this modeling did not meet the statistical confidence thresholds required to predict the impact of this variant on GNAS protein function. In summary, the available evidence is currently insufficient to determine the role of this variant in disease. Therefore, it has been classified as a Variant of Uncertain Significance.